The following is an entry in ClinVar:

NM_000836.4(GRIN2D):c.3775G>A (p.Gly1259Ser)

Gene: GRIN2D (glutamate ionotropic receptor NMDA type subunit 2D; plus strand). Cytogenetic location: 19q13.33.
Variant type: single nucleotide variant.
Coding change: c.3775G>A on transcript NM_000836.4 (MANE Select); coding-DNA position 3775, G replaced by A.
Protein change: p.Gly1259Ser; replaces glycine 1259 with serine.
Molecular consequence: missense variant.
Genome position (GRCh38, 1-based): chr19:48,443,701, G>A. VCF-style: chr19-48443701-G-A. GRCh37 (hg19) VCF-style: chr19-48946958-G-A.
Other names: short protein forms G1259S.
Identifiers: ClinVar variation 2266450 (VCV002266450.5), dbSNP rs950514288, ClinGen allele CA406678153.

ClinVar aggregate classification (germline): Uncertain significance. Review status: criteria provided, multiple submitters, no conflicts (2 of 4 stars). 2 submissions from 2 submitters: Uncertain significance (2). Last evaluated 2025-02-22.

Conditions:
Inborn genetic diseases. Identifiers: MedGen C0950123, MeSH D030342.

gnomAD v4.1: 2 of 1,296,586 alleles (0.00015%); highest among the groups gnomAD compares: African/African-American, 0.0016%; no homozygotes.

Submissions (2):

Labcorp Genetics (formerly Invitae), Labcorp
Classification: Uncertain significance. Last evaluated: 2025-02-22. Review status: criteria provided, single submitter. Criteria: Invitae Variant Classification Sherloc (09022015). Collection method: clinical testing. Allele origin: germline.
Comment: This sequence change replaces glycine, which is neutral and non-polar, with serine, which is neutral and polar, at codon 1259 of the GRIN2D protein (p.Gly1259Ser). The frequency data for this variant in the population databases is considered unreliable, as metrics indicate insufficient coverage at this position in the gnomAD database. This variant has not been reported in the literature in individuals affected with GRIN2D-related conditions. ClinVar contains an entry for this variant (Variation ID: 2266450). Invitae Evidence Modeling of protein sequence and biophysical properties (such as structural, functional, and spatial information, amino acid conservation, physicochemical variation, residue mobility, and thermodynamic stability) indicates that this missense variant is not expected to disrupt GRIN2D protein function with a negative predictive value of 95%. In summary, the available evidence is currently insufficient to determine the role of this variant in disease. Therefore, it has been classified as a Variant of Uncertain Significance.

Ambry Genetics
Classification: Uncertain significance for Inborn genetic diseases. Last evaluated: 2021-12-13. Review status: criteria provided, single submitter. Criteria: Ambry Variant Classification Scheme 2023. Collection method: clinical testing. Allele origin: germline.